The following is an entry in ClinVar:

NM_001001557.4(GDF6):c.870C>A (p.Phe290Leu)

Gene: GDF6 (growth differentiation factor 6; minus strand). Cytogenetic location: 8q22.1.
Variant type: single nucleotide variant.
Coding change: c.870C>A on transcript NM_001001557.4 (MANE Select); coding-DNA position 870, C replaced by A.
Protein change: p.Phe290Leu; replaces phenylalanine 290 with leucine.
Molecular consequence: missense variant.
Genome position (GRCh38, 1-based): chr8:96,145,061, G>T on the plus strand (C>A on the coding strand, the complement: GDF6 is on the minus strand). VCF-style: chr8-96145061-G-T. GRCh37 (hg19) VCF-style: chr8-97157289-G-T.
Other names: short protein forms F290L.
Identifiers: ClinVar variation 939263 (VCV000939263.9), dbSNP rs765928590, ClinGen allele CA371751628.

ClinVar aggregate classification (germline): Uncertain significance (1 of 4 stars; one submission).

Conditions:
Isolated microphthalmia 4. Identifiers: Orphanet 2542, MedGen C2751307, MONDO:0013130, OMIM 613094.
Klippel-Feil syndrome 1, autosomal dominant (KFS1). Also called: CERVICAL VERTEBRAL FUSION, AUTOSOMAL DOMINANT. Identifiers: Orphanet 2345, MedGen C1861689, MONDO:0007306, OMIM 118100.
Microphthalmia, isolated, with coloboma 6 (MCOPCB6). Also called: MICROPHTHALMIA/COLOBOMA 6; Microphthalmia with coloboma 6, digenic; Microphthalmia with coloboma 6. Identifiers: Orphanet 98938, MedGen C3150968, MONDO:0013376, OMIM 613703.
Leber congenital amaurosis 17 (LCA17). Identifiers: Orphanet 65, MedGen C3715164, MONDO:0014145, OMIM 615360.

gnomAD v4.1: 1 of 1,499,938 alleles (0.000067%); no homozygotes.

Submission:

Labcorp Genetics (formerly Invitae), Labcorp
Classification: Uncertain significance for Isolated microphthalmia 4; Leber congenital amaurosis 17; Klippel-Feil syndrome 1, autosomal dominant; Microphthalmia, isolated, with coloboma 6. Last evaluated: 2019-08-27. Review status: criteria provided, single submitter. Criteria: Invitae Variant Classification Sherloc (09022015). Collection method: clinical testing. Allele origin: germline.
Comment: In summary, the available evidence is currently insufficient to determine the role of this variant in disease. Therefore, it has been classified as a Variant of Uncertain Significance. Algorithms developed to predict the effect of missense changes on protein structure and function output the following: SIFT: "Deleterious"; PolyPhen-2: "Benign"; Align-GVGD: "Class C0". The leucine amino acid residue is found in multiple mammalian species, suggesting that this missense change does not adversely affect protein function. These predictions have not been confirmed by published functional studies and their clinical significance is uncertain. This variant has not been reported in the literature in individuals with GDF6-related conditions. The frequency data for this variant in the population databases is considered unreliable, as metrics indicate insufficient coverage at this position in the ExAC database. This sequence change replaces phenylalanine with leucine at codon 290 of the GDF6 protein (p.Phe290Leu). The phenylalanine residue is highly conserved and there is a small physicochemical difference between phenylalanine and leucine.